The following is an entry in ClinVar:

ClinVar aggregate classification (germline): Uncertain significance (1 of 4 stars; one submission).

Allele frequency attached by ClinVar (database versions not stated): gnomAD exomes below 0.00001 and 0.00001; TOPMed below 0.00001; gnomAD 0.00001.
gnomAD v4.1: 9 of 1,614,056 alleles (0.00056%); highest among the groups gnomAD compares: Non-Finnish European, 0.00076%; no homozygotes.

Submission:

Labcorp Genetics (formerly Invitae), Labcorp
Classification: Uncertain significance. Last evaluated: 2021-04-06. Review status: criteria provided, single submitter. Criteria: Invitae Variant Classification Sherloc (09022015). Collection method: clinical testing. Allele origin: germline.
Comment: Algorithms developed to predict the effect of missense changes on protein structure and function are either unavailable or do not agree on the potential impact of this missense change (SIFT: "Tolerated"; PolyPhen-2: "Possibly Damaging"; Align-GVGD: "Class C0"). This variant has not been reported in the literature in individuals with TRPM1-related conditions. This variant is not present in population databases (ExAC no frequency). This sequence change replaces glutamic acid with lysine at codon 692 of the TRPM1 protein (p.Glu692Lys). The glutamic acid residue is moderately conserved and there is a small physicochemical difference between glutamic acid and lysine. In summary, the available evidence is currently insufficient to determine the role of this variant in disease. Therefore, it has been classified as a Variant of Uncertain Significance.

NM_001252024.2(TRPM1):c.2140G>A (p.Glu714Lys)

Gene: TRPM1 (transient receptor potential cation channel subfamily M member 1; minus strand). Cytogenetic location: 15q13.3.
Variant type: single nucleotide variant.
Coding change: c.2140G>A on transcript NM_001252024.2 (MANE Select); coding-DNA position 2140, G replaced by A.
Protein change: p.Glu714Lys; replaces glutamic acid 714 with lysine.
Molecular consequence: missense variant.
Genome position (GRCh38, 1-based): chr15:31,040,294, C>T on the plus strand (G>A on the coding strand, the complement: TRPM1 is on the minus strand). VCF-style: chr15-31040294-C-T. GRCh37 (hg19) VCF-style: chr15-31332497-C-T.
Other names: c.2191G>A, p.Glu731Lys (NM_001252020.2); c.2074G>A, p.Glu692Lys (NM_002420.6); short protein forms E692K, E731K, E714K.
Identifiers: ClinVar variation 1480029 (VCV001480029.8), dbSNP rs1355796117, ClinGen allele CA391510566.